The following is an entry in ClinVar:

NM_000384.3(APOB):c.4832del (p.Phe1611fs)

Gene: APOB (apolipoprotein B; minus strand). Cytogenetic location: 2p24.1.
Variant type: Deletion.
Coding change: c.4832del on transcript NM_000384.3 (MANE Select); coding-DNA position 4832, one base deleted (T; older notation c.4832delT).
Protein change: p.Phe1611fs; shifts the reading frame from phenylalanine 1611.
Molecular consequence: frameshift variant.
Genome position (GRCh38, 1-based): chr2:21,012,036, A deleted on the plus strand (T on the coding strand, the reverse complement: APOB is on the minus strand); the first of 2 consecutive A bases (chr2:21,012,036-21,012,037); deleting either gives the same sequence. VCF-style (leftmost placement, unchanged base first): chr2-21012035-GA-G. GRCh37 (hg19) VCF-style: chr2-21234907-GA-G.
Other names: short protein forms F1611fs.
Identifiers: ClinVar variation 2650710 (VCV002650710.24), dbSNP rs1663338324, ClinGen allele CA2493477471.

ClinVar aggregate classification (germline): Pathogenic (1 of 4 stars; one submission).

Submission:

CeGaT Center for Human Genetics Tuebingen
Classification: Pathogenic. Last evaluated: 2023-08-01. Review status: criteria provided, single submitter. Criteria: CeGaT Center For Human Genetics Tuebingen Variant Classification Criteria Version 2. Collection method: clinical testing. Allele origin: germline. Affected: yes. Observed: 1 variant allele.
Comment: APOB: PVS1, PM2